The following is an entry in ClinVar:

NM_152490.5(B3GALNT2):c.155A>T (p.Asp52Val)

Gene: B3GALNT2 (beta-1,3-N-acetylgalactosaminyltransferase 2; minus strand). Cytogenetic location: 1q42.3.
Variant type: single nucleotide variant.
Coding change: c.155A>T on transcript NM_152490.5 (MANE Select); coding-DNA position 155, A replaced by T.
Protein change: p.Asp52Val; replaces aspartic acid 52 with valine.
Molecular consequence: missense variant.
Genome position (GRCh38, 1-based): chr1:235,494,786, T>A on the plus strand (A>T on the coding strand, the complement: B3GALNT2 is on the minus strand). VCF-style: chr1-235494786-T-A. GRCh37 (hg19) VCF-style: chr1-235658096-T-A.
Other names: c.278A>T, p.Asp93Val (NM_001277155.3); short protein forms D93V, D52V.
Identifiers: ClinVar variation 1474223 (VCV001474223.8), dbSNP rs777105173, ClinGen allele CA1464994.

ClinVar aggregate classification (germline): Uncertain significance (1 of 4 stars; one submission).

Conditions:
Muscular dystrophy-dystroglycanopathy (congenital with brain and eye anomalies), type a, 11 (MDDGA11). Also called: WALKER-WARBURG SYNDROME OR MUSCLE-EYE-BRAIN DISEASE, B3GALNT2-RELATED; Congenital muscular dystrophy-dystroglycanopathy with brain and eye anomalies, type A11; Muscular dystrophy-dystroglycanopathy (congenital with brain and eye anomalies, type A, 11. Identifiers: Orphanet 588, Orphanet 899, MedGen C3554638, MONDO:0014071, OMIM 615181.

Allele frequency attached by ClinVar (database versions not stated): gnomAD exomes below 0.00001; ExAC 0.00001.
gnomAD v4.1: 2 of 1,611,332 alleles (0.00012%); highest among the groups gnomAD compares: Admixed American, 0.0017%; no homozygotes.

Submission:

Labcorp Genetics (formerly Invitae), Labcorp
Classification: Uncertain significance for Muscular dystrophy-dystroglycanopathy (congenital with brain and eye anomalies), type a, 11. Last evaluated: 2022-01-13. Review status: criteria provided, single submitter. Criteria: Invitae Variant Classification Sherloc (09022015). Collection method: clinical testing. Allele origin: germline.
Comment: In summary, the available evidence is currently insufficient to determine the role of this variant in disease. Therefore, it has been classified as a Variant of Uncertain Significance. Algorithms developed to predict the effect of missense changes on protein structure and function are either unavailable or do not agree on the potential impact of this missense change (SIFT: "Tolerated"; PolyPhen-2: "Probably Damaging"; Align-GVGD: "Class C0"). This variant has not been reported in the literature in individuals affected with B3GALNT2-related conditions. This variant is present in population databases (rs777105173, gnomAD 0.003%). This sequence change replaces aspartic acid, which is acidic and polar, with valine, which is neutral and non-polar, at codon 52 of the B3GALNT2 protein (p.Asp52Val).